The following is an entry in ClinVar:

NM_001242896.3(DEPDC5):c.1022G>T (p.Gly341Val)

Gene: DEPDC5 (DEP domain containing 5, GATOR1 subcomplex subunit; plus strand). Cytogenetic location: 22q12.3.
Variant type: single nucleotide variant.
Coding change: c.1022G>T on transcript NM_001242896.3 (MANE Select); coding-DNA position 1022, G replaced by T.
Protein change: p.Gly341Val; replaces glycine 341 with valine.
Molecular consequence: missense variant. On other transcripts: non-coding transcript variant (5).
Genome position (GRCh38, 1-based): chr22:31,802,779, G>T. VCF-style: chr22-31802779-G-T. GRCh37 (hg19) VCF-style: chr22-32198765-G-T.
Other names: c.938G>T, p.Gly313Val (NM_001369902.1, NM_001369901.1); c.1022G>T, p.Gly341Val (NM_001007188.4, NM_001136029.4, NM_001364318.2 and 7 more transcripts); short protein forms G313V, G341V.
Identifiers: ClinVar variation 2757469 (VCV002757469.3), dbSNP rs2518878127, ClinGen allele CA411292888.

ClinVar aggregate classification (germline): Uncertain significance (1 of 4 stars; one submission).

Conditions:
Familial focal epilepsy with variable foci (FPEVF). Identifiers: Orphanet 98820, MedGen C1858477, MONDO:0020310.

Submission:

Labcorp Genetics (formerly Invitae), Labcorp
Classification: Uncertain significance for Familial focal epilepsy with variable foci. Last evaluated: 2023-09-03. Review status: criteria provided, single submitter. Criteria: Invitae Variant Classification Sherloc (09022015). Collection method: clinical testing. Allele origin: germline.
Comment: This sequence change replaces glycine, which is neutral and non-polar, with valine, which is neutral and non-polar, at codon 341 of the DEPDC5 protein (p.Gly341Val). This variant is not present in population databases (gnomAD no frequency). This variant has not been reported in the literature in individuals affected with DEPDC5-related conditions. Experimental studies and prediction algorithms are not available or were not evaluated, and the functional significance of this variant is currently unknown. In summary, the available evidence is currently insufficient to determine the role of this variant in disease. Therefore, it has been classified as a Variant of Uncertain Significance.